The following is an entry in ClinVar:

NM_025114.4(CEP290):c.5057A>G (p.Glu1686Gly)

Gene: CEP290 (centrosomal protein 290; minus strand). Cytogenetic location: 12q21.32.
Variant type: single nucleotide variant.
Coding change: c.5057A>G on transcript NM_025114.4 (MANE Select); coding-DNA position 5057, A replaced by G.
Protein change: p.Glu1686Gly; replaces glutamic acid 1686 with glycine.
Molecular consequence: missense variant.
Genome position (GRCh38, 1-based): chr12:88,080,351, T>C on the plus strand (A>G on the coding strand, the complement: CEP290 is on the minus strand). VCF-style: chr12-88080351-T-C. GRCh37 (hg19) VCF-style: chr12-88474128-T-C.
Other names: short protein forms E1686G.
Identifiers: ClinVar variation 2415159 (VCV002415159.2), dbSNP rs2499913057, ClinGen allele CA385991486.

ClinVar aggregate classification (germline): Uncertain significance (1 of 4 stars; one submission).

Conditions:
Joubert syndrome. Also called: CEREBELLOPARENCHYMAL DISORDER IV; JOUBERT-BOLTSHAUSER SYNDROME; Familial aplasia of the vermis. Identifiers: Orphanet 475, MedGen C5979921, MONDO:0018772.
Nephronophthisis. Also called: Juvenile Nephronophthisis. Identifiers: Orphanet 655, MedGen C0687120, MONDO:0019005, HP:0000090.
Meckel-Gruber syndrome. Also called: DYSENCEPHALIA SPLANCHNOCYSTICA; GRUBER SYNDROME; Dysencephalia splachnocystica. Identifiers: Orphanet 564, MedGen C0265215, MONDO:0018921.

Submission:

Labcorp Genetics (formerly Invitae), Labcorp
Classification: Uncertain significance for Joubert syndrome; Meckel-Gruber syndrome; Nephronophthisis. Last evaluated: 2022-02-19. Review status: criteria provided, single submitter. Criteria: Invitae Variant Classification Sherloc (09022015). Collection method: clinical testing. Allele origin: germline.
Comment: This sequence change replaces glutamic acid, which is acidic and polar, with glycine, which is neutral and non-polar, at codon 1686 of the CEP290 protein (p.Glu1686Gly). This variant is not present in population databases (gnomAD no frequency). This variant has not been reported in the literature in individuals affected with CEP290-related conditions. Algorithms developed to predict the effect of missense changes on protein structure and function are either unavailable or do not agree on the potential impact of this missense change (SIFT: "Deleterious"; PolyPhen-2: "Benign"; Align-GVGD: "Class C0"). In summary, the available evidence is currently insufficient to determine the role of this variant in disease. Therefore, it has been classified as a Variant of Uncertain Significance.